The following is an entry in ClinVar:

ClinVar aggregate classification (germline): Pathogenic (1 of 4 stars; one submission).

Submission:

Labcorp Genetics (formerly Invitae), Labcorp
Classification: Pathogenic. Last evaluated: 2023-11-20. Review status: criteria provided, single submitter. Criteria: Invitae Variant Classification Sherloc (09022015). Collection method: clinical testing. Allele origin: germline.
Comment: This sequence change creates a premature translational stop signal (p.Phe1168Leufs*58) in the TET2 gene. It is expected to result in an absent or disrupted protein product. Loss-of-function variants in TET2 are known to be pathogenic (PMID: 36066697). This variant is not present in population databases (gnomAD no frequency). This variant has not been reported in the literature in individuals affected with TET2-related conditions. For these reasons, this variant has been classified as Pathogenic.

Literature cited by the submitters: PubMed 36066697.

NM_001127208.3(TET2):c.3504del (p.Phe1168fs)

Genes: TET2 (tet methylcytosine dioxygenase 2; plus strand), TET2-AS1 (TET2 antisense RNA 1; minus strand). Cytogenetic location: 4q24.
Variant type: Deletion.
Coding change: c.3504del on transcript NM_001127208.3 (MANE Select); coding-DNA position 3504, one base deleted (T; older notation c.3504delT).
Protein change: p.Phe1168fs; shifts the reading frame from phenylalanine 1168.
Molecular consequence: frameshift variant.
Genome position (GRCh38, 1-based): chr4:105,242,837, T deleted; the last of 3 consecutive T bases (chr4:105,242,835-105,242,837); deleting any one gives the same sequence. VCF-style (leftmost placement, unchanged base first): chr4-105242834-GT-G. GRCh37 (hg19) VCF-style: chr4-106163991-GT-G.
Other names: short protein forms F1168fs.
Identifiers: ClinVar variation 2697754 (VCV002697754.3), dbSNP rs2476533151, ClinGen allele CA2579753972.